The following is an entry in ClinVar:

ClinVar aggregate classification (germline): Benign (0 of 4 stars; one submission).

Submission:

Human Disease Genetics and Animal Model Lab, Shanxi University
Classification: Benign. Last evaluated: 2022-07-31. Review status: no assertion criteria provided. Collection method: clinical testing, research. Allele origin: inherited, not applicable. Affected: no.
Comment: Additionally, functional study indicate that the Leu15Val variant has no effect on SMO activity as this variant still can fully rescue the Hh activity loss of function in smo zebrafish mutant.

Literature cited by the submitters: PubMed 31050874.

NM_005631.5(SMO):c.43C>G (p.Leu15Val)

Genes: SMO (smoothened, frizzled class receptor; plus strand), LOC129999303 (ATAC-STARR-seq lymphoblastoid silent region 18626; plus strand). Cytogenetic location: 7q32.1.
Variant type: single nucleotide variant.
Coding change: c.43C>G on transcript NM_005631.5 (MANE Select); coding-DNA position 43, C replaced by G.
Protein change: p.Leu15Val; replaces leucine 15 with valine.
Molecular consequence: missense variant.
Genome position (GRCh38, 1-based): chr7:129,189,194, C>G. VCF-style: chr7-129189194-C-G. GRCh37 (hg19) VCF-style: chr7-128829035-C-G.
Other names: short protein forms L15V.
Identifiers: ClinVar variation 2444000 (VCV002444000.3), dbSNP rs2150637798, ClinGen allele CA369234702.